The following is an entry in ClinVar:

ClinVar aggregate classification (germline): Uncertain significance (1 of 4 stars; one submission).

Submission:

Labcorp Genetics (formerly Invitae), Labcorp
Classification: Uncertain significance. Last evaluated: 2024-11-18. Review status: criteria provided, single submitter. Criteria: Invitae Variant Classification Sherloc (09022015). Collection method: clinical testing. Allele origin: germline.
Comment: This sequence change replaces aspartic acid, which is acidic and polar, with glutamic acid, which is acidic and polar, at codon 1202 of the ABCA4 protein (p.Asp1202Glu). This variant is not present in population databases (gnomAD no frequency). This variant has not been reported in the literature in individuals affected with ABCA4-related conditions. ClinVar contains an entry for this variant (Variation ID: 1054793). An algorithm developed to predict the effect of missense changes on protein structure and function (PolyPhen-2) suggests that this variant is likely to be tolerated. In summary, the available evidence is currently insufficient to determine the role of this variant in disease. Therefore, it has been classified as a Variant of Uncertain Significance.

NM_000350.3(ABCA4):c.3606T>A (p.Asp1202Glu)

Gene: ABCA4 (ATP binding cassette subfamily A member 4; minus strand). Cytogenetic location: 1p22.1.
Variant type: single nucleotide variant.
Coding change: c.3606T>A on transcript NM_000350.3 (MANE Select); coding-DNA position 3606, T replaced by A.
Protein change: p.Asp1202Glu; replaces aspartic acid 1202 with glutamic acid.
Molecular consequence: missense variant.
Genome position (GRCh38, 1-based): chr1:94,040,044, A>T on the plus strand (T>A on the coding strand, the complement: ABCA4 is on the minus strand). VCF-style: chr1-94040044-A-T. GRCh37 (hg19) VCF-style: chr1-94505600-A-T.
Other names: c.3384T>A, p.Asp1128Glu (NM_001425324.1); short protein forms D1202E, D1128E.
Identifiers: ClinVar variation 1054793 (VCV001054793.9), dbSNP rs2101046910, ClinGen allele CA341289809.